The following is an entry in ClinVar:

NM_000465.4(BARD1):c.2001+16T>C

Gene: BARD1 (BRCA1 associated RING domain 1; minus strand). Cytogenetic location: 2q35.
Variant type: single nucleotide variant.
Coding change: c.2001+16T>C on transcript NM_000465.4 (MANE Select); 16 bases into the intron after coding-DNA position 2001, T replaced by C.
Molecular consequence: intron variant.
Genome position (GRCh38, 1-based): chr2:214,730,395, A>G on the plus strand (T>C on the coding strand, the complement: BARD1 is on the minus strand). VCF-style: chr2-214730395-A-G. GRCh37 (hg19) VCF-style: chr2-215595119-A-G.
Other names: c.591+16T>C (NM_001282548.2); c.1944+16T>C (NM_001282543.2); c.648+16T>C (NM_001282545.2); c.462+16T>C (NM_001282549.2); c.2001+16T>C (LRG_297t1).
Identifiers: ClinVar variation 510754 (VCV000510754.1), dbSNP rs1553612452, ClinGen allele CA658796162.
Genomic context (GRCh38, chr2:214,730,395, plus strand): 5'-CAGAAGTTCTTCCTGATGGTGATAATAATAGTATGTCATAATAAGAACAATGAAAGTTGT[A>G]TTAAAAGAAAAATACCAGCTGTTCTCTGTTGAGCCTGCTTCTGCGTGGACCTTCAGGAAT-3'

ClinVar aggregate classification (germline): Likely benign (1 of 4 stars; one submission).

Submission:

GeneDx
Classification: Likely benign. Last evaluated: 2017-07-07. Review status: criteria provided, single submitter. Criteria: GeneDx Variant Classification (06012015). Collection method: clinical testing. Allele origin: germline. Affected: yes.
Comment: This variant is considered likely benign or benign based on one or more of the following criteria: it is a conservative change, it occurs at a poorly conserved position in the protein, it is predicted to be benign by multiple in silico algorithms, and/or has population frequency not consistent with disease.